The following is an entry in ClinVar:

ClinVar aggregate classification (germline): Benign/Likely benign. Review status: criteria provided, multiple submitters, no conflicts (2 of 4 stars). 5 submissions from 5 submitters: Benign (2); Likely benign (2). 1 of the submissions does not count toward it. Last evaluated 2021-08-19.

Conditions:
Pachyonychia congenita 3 (PC3). Also called: PC-K6a; KRT6A-Related Pachyonychia Congenita. Identifiers: Orphanet 2309, MedGen C3714948, MONDO:0014324, OMIM 615726.
KRT6A-related disorder. Also called: KRT6A-related condition.

Allele frequency attached by ClinVar (database versions not stated): ExAC 0.35644; gnomAD exomes 0.36695 and 0.36015; gnomAD 0.34829 and 0.35020; TOPMed 0.35760; ESP Exome Variant Server 0.34589; 1000 Genomes Project 30x 0.35556; 1000 Genomes Project 0.36102.

Submissions (5):

Genome-Nilou Lab
Classification: Benign for Pachyonychia congenita 3. Last evaluated: 2021-08-19. Review status: criteria provided, single submitter. Criteria: ACMG Guidelines, 2015. Collection method: clinical testing. Allele origin: germline. Affected: no.

Labcorp Genetics (formerly Invitae), Labcorp
Classification: Likely benign. Last evaluated: 2019-12-31. Review status: criteria provided, single submitter. Criteria: Invitae Variant Classification Sherloc (09022015). Collection method: clinical testing. Allele origin: germline.

GeneDx
Classification: Benign. Last evaluated: 2015-03-03. Review status: criteria provided, single submitter. Criteria: GeneDx Variant Classification Process June 2021. Collection method: clinical testing. Allele origin: germline. Affected: yes.

Breakthrough Genomics
Classification: Likely benign. Review status: criteria provided, single submitter. Criteria: ACMG Guidelines, 2015. Collection method: not provided. Allele origin: germline. Inheritance: Autosomal dominant inheritance. Affected: yes.

PreventionGenetics, part of Exact Sciences
Classification: Benign for KRT6A-related condition. Last evaluated: 2019-09-24. Review status: no assertion criteria provided. Collection method: clinical testing. Allele origin: germline. Not counted in ClinVar's aggregate classification.
Comment: This variant is classified as benign based on ACMG/AMP sequence variant interpretation guidelines (Richards et al. 2015 PMID: 25741868, with internal and published modifications).

NM_005554.4(KRT6A):c.495A>G (p.Glu165=)

Gene: KRT6A (keratin 6A; minus strand). Cytogenetic location: 12q13.13.
Variant type: single nucleotide variant.
Coding change: c.495A>G on transcript NM_005554.4 (MANE Select); coding-DNA position 495, A replaced by G.
Protein change: p.Glu165=; no amino-acid change (glutamic acid 165 retained).
Molecular consequence: synonymous variant.
Genome position (GRCh38, 1-based): chr12:52,492,694, T>C on the plus strand (A>G on the coding strand, the complement: KRT6A is on the minus strand). VCF-style: chr12-52492694-T-C. GRCh37 (hg19) VCF-style: chr12-52886478-T-C.
Identifiers: ClinVar variation 768548 (VCV000768548.11), dbSNP rs376545, ClinGen allele CA6582247.
Genomic context (GRCh38, chr12:52,492,694, plus strand): 5'-ATGGCACTGGCTCACCTTGTCGATGAAGGAGGCAAACTTGTTGTTGAGGGTCTTGATCTG[T>C]TCACGCTCCTCAGCCCGCACCCGCTGGATGGTGGGATCGATTTGCAGGTTGAGGGGAGTC-3'
Protein context (NP_005545.1, residues 155-175): TIQRVRAEER[Glu165=]QIKTLNNKFA